The following is an entry in ClinVar:

NM_002234.4(KCNA5):c.602G>T (p.Arg201Leu)

Gene: KCNA5 (potassium voltage-gated channel subfamily A member 5; plus strand). Cytogenetic location: 12p13.32.
Variant type: single nucleotide variant.
Coding change: c.602G>T on transcript NM_002234.4 (MANE Select); coding-DNA position 602, G replaced by T.
Protein change: p.Arg201Leu; replaces arginine 201 with leucine.
Molecular consequence: missense variant.
Genome position (GRCh38, 1-based): chr12:5,044,749, G>T. VCF-style: chr12-5044749-G-T. GRCh37 (hg19) VCF-style: chr12-5153915-G-T.
Other names: short protein forms R201L.
Identifiers: ClinVar variation 2150622 (VCV002150622.4), dbSNP rs765380398, ClinGen allele CA6399667.

ClinVar aggregate classification (germline): Uncertain significance (1 of 4 stars; one submission).

Conditions:
Atrial fibrillation, familial, 7 (ATFB7). Identifiers: MedGen C2677106, MONDO:0012828, OMIM 612240.

Allele frequency attached by ClinVar (database versions not stated): ExAC 0.00002.
gnomAD v4.1: 5 of 1,613,998 alleles (0.00031%); highest among the groups gnomAD compares: African/African-American, 0.0013%; no homozygotes.

Submission:

Labcorp Genetics (formerly Invitae), Labcorp
Classification: Uncertain significance for Atrial fibrillation, familial, 7. Last evaluated: 2025-10-21. Review status: criteria provided, single submitter. Criteria: Invitae Variant Classification Sherloc (09022015). Collection method: clinical testing. Allele origin: germline.
Comment: This sequence change replaces arginine, which is basic and polar, with leucine, which is neutral and non-polar, at codon 201 of the KCNA5 protein (p.Arg201Leu). This variant is present in population databases (rs765380398, gnomAD 0.007%). This variant has not been reported in the literature in individuals affected with KCNA5-related conditions. ClinVar contains an entry for this variant (Variation ID: 2150622). Invitae Evidence Modeling of protein sequence and biophysical properties (such as structural, functional, and spatial information, amino acid conservation, physicochemical variation, residue mobility, and thermodynamic stability) indicates that this missense variant is not expected to disrupt KCNA5 protein function with a negative predictive value of 80%. In summary, the available evidence is currently insufficient to determine the role of this variant in disease. Therefore, it has been classified as a Variant of Uncertain Significance.